The following is an entry in ClinVar:

NM_170707.4(LMNA):c.936+12C>T

Gene: LMNA (lamin A/C; plus strand). Cytogenetic location: 1q22.
Variant type: single nucleotide variant.
Coding change: c.936+12C>T on transcript NM_170707.4 (MANE Select); 12 bases into the intron after coding-DNA position 936, C replaced by T.
Molecular consequence: intron variant.
Genome position (GRCh38, 1-based): chr1:156,135,324, C>T. VCF-style: chr1-156135324-C-T. GRCh37 (hg19) VCF-style: chr1-156105115-C-T.
Other names: c.936+12C>T (NM_001282625.2, NM_001282626.2, NM_170708.4 and 1 more transcripts); c.600+12C>T (NM_001257374.3); c.693+12C>T (NM_001282624.2).
Identifiers: ClinVar variation 292837 (VCV000292837.18), dbSNP rs199881992, ClinGen allele CA054697.
Genomic context (GRCh38, chr1:156,135,324, plus strand): 5'-CATCCGCATCGACAGCCTCTCTGCCCAGCTCAGCCAGCTCCAGAAGCAGGTGATACCCCA[C>T]CTCACCCCTCTCTCCAGGGGCCTAGAGTCTGGGCCGGATGCAGGCTGGAAGCCCAGGGTT-3'

ClinVar aggregate classification (germline): Likely benign. Review status: criteria provided, multiple submitters, no conflicts (2 of 4 stars). 5 submissions from 5 submitters: Likely benign (5). Last evaluated 2025-12-16.

Conditions:
Charcot-Marie-Tooth disease type 2. Also called: Charcot-Marie-Tooth type 2. Identifiers: Orphanet 64746, MedGen C0270914, MONDO:0018993.
Cardiovascular phenotype. Identifiers: MedGen CN230736.
Charcot-Marie-Tooth disease. Also called: Charcot-Marie-Tooth Neuropathy; Charcot-Marie-Tooth Hereditary Neuropathy. Identifiers: Orphanet 166, MedGen C0007959, MONDO:0015626.

Allele frequency attached by ClinVar (database versions not stated): TOPMed 0.00009; ESP Exome Variant Server 0.00038; gnomAD exomes 0.00003; ExAC 0.00004; gnomAD 0.00004.
gnomAD v4.1: 87 of 1,612,138 alleles (0.0054%); highest among the groups gnomAD compares: Non-Finnish European, 0.0071%; no homozygotes.

Submissions (5):

Labcorp Genetics (formerly Invitae), Labcorp
Classification: Likely benign for Charcot-Marie-Tooth disease type 2. Last evaluated: 2025-12-16. Review status: criteria provided, single submitter. Criteria: Invitae Variant Classification Sherloc (09022015). Collection method: clinical testing. Allele origin: germline.

Blueprint Genetics
Classification: Likely benign. Last evaluated: 2024-06-07. Review status: criteria provided, single submitter. Criteria: ACMG Guidelines, 2015. Collection method: clinical testing. Allele origin: germline.

Ambry Genetics
Classification: Likely benign for Cardiovascular phenotype. Last evaluated: 2022-12-16. Review status: criteria provided, single submitter. Criteria: Ambry Variant Classification Scheme 2023. Collection method: clinical testing. Allele origin: germline.

GeneDx
Classification: Likely benign. Last evaluated: 2017-09-21. Review status: criteria provided, single submitter. Criteria: GeneDx Variant Classification (06012015). Collection method: clinical testing. Allele origin: germline. Affected: yes.
Comment: This variant is considered likely benign or benign based on one or more of the following criteria: it is a conservative change, it occurs at a poorly conserved position in the protein, it is predicted to be benign by multiple in silico algorithms, and/or has population frequency not consistent with disease.

Molecular Genetics Laboratory, London Health Sciences Centre
Classification: Likely benign for Charcot-Marie-Tooth disease. Review status: criteria provided, single submitter. Criteria: ACMG Guidelines, 2015. Collection method: clinical testing. Allele origin: germline. Affected: yes.